The following is an entry in ClinVar:

ClinVar aggregate classification (germline): Pathogenic. Review status: criteria provided, single submitter (1 of 4 stars). 2 submissions from 2 submitters: Pathogenic (1). 1 of the submissions does not count toward it. Last evaluated 2023-02-11.

Conditions:
Cryopyrin associated periodic syndrome (CAPS). Identifiers: Orphanet 208650, MedGen C2316212, MONDO:0016168.
Familial cold autoinflammatory syndrome 1 (FCAS1). Also called: Familial cold inflammatory syndrome 1; CRYOPYRIN-ASSOCIATED PERIODIC SYNDROME 1. Identifiers: Orphanet 47045, MedGen C4551895, MONDO:0007349, OMIM 120100.

Submissions (2):

Labcorp Genetics (formerly Invitae), Labcorp
Classification: Pathogenic for Cryopyrin associated periodic syndrome. Last evaluated: 2023-02-11. Review status: criteria provided, single submitter. Criteria: Invitae Variant Classification Sherloc (09022015). Collection method: clinical testing. Allele origin: germline.
Comment: This sequence change replaces glycine, which is neutral and non-polar, with alanine, which is neutral and non-polar, at codon 571 of the NLRP3 protein (p.Gly571Ala). This variant is not present in population databases (gnomAD no frequency). This missense change has been observed in individuals with clinical features of cryopyrin-associated periodic syndrome (PMID: 21058222, 31442672, 32477355, 33329557; Invitae). This variant is also known as G569A. ClinVar contains an entry for this variant (Variation ID: 97945). Advanced modeling of protein sequence and biophysical properties (such as structural, functional, and spatial information, amino acid conservation, physicochemical variation, residue mobility, and thermodynamic stability) performed at Invitae indicates that this missense variant is expected to disrupt NLRP3 protein function. This variant disrupts the p.Gly571 amino acid residue in NLRP3. Other variant(s) that disrupt this residue have been determined to be pathogenic (PMID: 11992256, 21356079, 35668534). This suggests that this residue is clinically significant, and that variants that disrupt this residue are likely to be disease-causing. For these reasons, this variant has been classified as Pathogenic.

Unité médicale des maladies autoinflammatoires, CHRU Montpellier
No classification provided. Condition: Familial cold urticaria. Review status: no classification provided. Collection method: not provided. Allele origin: unknown. Not counted in ClinVar's aggregate classification.
Comment: also involved in OMIM 191900 and 607115

Literature cited by the submitters: PubMed 21058222 (cited by Labcorp Genetics (formerly Invitae), Labcorp); PubMed 31442672 (cited by Labcorp Genetics (formerly Invitae), Labcorp); PubMed 32477355 (cited by Labcorp Genetics (formerly Invitae), Labcorp); PubMed 33329557 (cited by Labcorp Genetics (formerly Invitae), Labcorp); PubMed 11992256 (cited by Labcorp Genetics (formerly Invitae), Labcorp); PubMed 21356079 (cited by Labcorp Genetics (formerly Invitae), Labcorp); PubMed 35668534 (cited by Labcorp Genetics (formerly Invitae), Labcorp).

NM_001243133.2(NLRP3):c.1706G>C (p.Gly569Ala)

Gene: NLRP3 (NLR family pyrin domain containing 3; plus strand). Cytogenetic location: 1q44.
Variant type: single nucleotide variant.
Coding change: c.1706G>C on transcript NM_001243133.2 (MANE Select); coding-DNA position 1706, G replaced by C.
Protein change: p.Gly569Ala; replaces glycine 569 with alanine.
Molecular consequence: missense variant.
Genome position (GRCh38, 1-based): chr1:247,425,155, G>C. VCF-style: chr1-247425155-G-C. GRCh37 (hg19) VCF-style: chr1-247588457-G-C.
Other names: c.1706G>C, p.Gly569Ala (NM_001079821.3, NM_001127461.3, NM_001127462.3 and 1 more transcripts); c.1712G>C, p.Gly571Ala (NM_004895.5); short protein forms G571A, G569A.
Identifiers: ClinVar variation 97945 (VCV000097945.4), dbSNP rs180177491, ClinGen allele CA281258.